The following is an entry in ClinVar:

ClinVar aggregate classification (germline): Uncertain significance (1 of 4 stars; one submission).

gnomAD v4.1: 1 of 1,614,236 alleles (0.000062%); highest among the groups gnomAD compares: Non-Finnish European, 0.000085%; no homozygotes.

Submission:

Labcorp Genetics (formerly Invitae), Labcorp
Classification: Uncertain significance. Last evaluated: 2024-10-06. Review status: criteria provided, single submitter. Criteria: Invitae Variant Classification Sherloc (09022015). Collection method: clinical testing. Allele origin: germline.
Comment: This sequence change replaces methionine, which is neutral and non-polar, with valine, which is neutral and non-polar, at codon 343 of the SLC12A3 protein (p.Met343Val). This variant is present in population databases (rs377556673, gnomAD 0.002%). This variant has not been reported in the literature in individuals affected with SLC12A3-related conditions. Invitae Evidence Modeling of protein sequence and biophysical properties (such as structural, functional, and spatial information, amino acid conservation, physicochemical variation, residue mobility, and thermodynamic stability) indicates that this missense variant is not expected to disrupt SLC12A3 protein function with a negative predictive value of 95%. In summary, the available evidence is currently insufficient to determine the role of this variant in disease. Therefore, it has been classified as a Variant of Uncertain Significance.

NM_001126108.2(SLC12A3):c.1027A>G (p.Met343Val)

Gene: SLC12A3 (solute carrier family 12 member 3; plus strand). Cytogenetic location: 16q13.
Variant type: single nucleotide variant.
Coding change: c.1027A>G on transcript NM_001126108.2 (MANE Select); coding-DNA position 1027, A replaced by G.
Protein change: p.Met343Val; replaces methionine 343 with valine.
Molecular consequence: missense variant.
Genome position (GRCh38, 1-based): chr16:56,872,718, A>G. VCF-style: chr16-56872718-A-G. GRCh37 (hg19) VCF-style: chr16-56906630-A-G.
Other names: c.1027A>G, p.Met343Val (NM_000339.3); c.1024A>G, p.Met342Val (NM_001126107.2, NM_001410896.1); short protein forms M342V, M343V.
Identifiers: ClinVar variation 3612277 (VCV003612277.2).